The following is an entry in ClinVar:

ClinVar aggregate classification (germline): Likely benign (1 of 4 stars; one submission).

Allele frequency attached by ClinVar (database versions not stated): gnomAD exomes 0.00004; gnomAD 0.00007; TOPMed 0.00007.
gnomAD v4.1: 66 of 1,535,914 alleles (0.0043%); highest among the groups gnomAD compares: Non-Finnish European, 0.0056%; no homozygotes.

Submission:

Women's Health and Genetics/Laboratory Corporation of America, LabCorp
Classification: Likely benign. Last evaluated: 2023-10-16. Review status: criteria provided, single submitter. Criteria: LabCorp Variant Classification Summary - May 2015. Collection method: clinical testing. Allele origin: germline.
Comment: Variant summary: UBE3B c.631-475G>A is located at a position not widely known to affect splicing. Consensus agreement among computation tools predict no significant impact on normal splicing. However, these predictions have yet to be confirmed by functional studies. The variant allele was found at a frequency of 4.4e-05 in 137008 control chromosomes. The available data on variant occurrences in the general population are insufficient to allow any conclusion about variant significance. To our knowledge, no occurrence of c.631-475G>A in individuals affected with Oculocerebrofacial Syndrome, Kaufman Type and no experimental evidence demonstrating its impact on protein function have been reported. No submitters have cited clinical-significance assessments for this variant to ClinVar after 2014. Based on the evidence outlined above, the variant was classified as likely benign.

NM_130466.4(UBE3B):c.631-475G>A

Gene: UBE3B (ubiquitin protein ligase E3B; plus strand). Cytogenetic location: 12q24.11.
Variant type: single nucleotide variant.
Coding change: c.631-475G>A on transcript NM_130466.4 (MANE Select); 475 bases into the intron before coding-DNA position 631, G replaced by A.
Molecular consequence: intron variant. On other transcripts: nonsense (3).
Genome position (GRCh38, 1-based): chr12:109,490,570, G>A. VCF-style: chr12-109490570-G-A. GRCh37 (hg19) VCF-style: chr12-109928375-G-A.
Other names: c.711G>A, p.Trp237Ter (NM_001270449.2, NM_001270450.2, NM_001270451.2); c.631-475G>A (NM_183415.3); short protein forms W237*.
Identifiers: ClinVar variation 2637765 (VCV002637765.1), dbSNP rs1432277913, ClinGen allele CA386633036.